The following is an entry in ClinVar:

NM_000392.5(ABCC2):c.1586G>A (p.Arg529Gln)

Gene: ABCC2 (ATP binding cassette subfamily C member 2; plus strand). Cytogenetic location: 10q24.2.
Variant type: single nucleotide variant.
Coding change: c.1586G>A on transcript NM_000392.5 (MANE Select); coding-DNA position 1586, G replaced by A.
Protein change: p.Arg529Gln; replaces arginine 529 with glutamine.
Molecular consequence: missense variant.
Genome position (GRCh38, 1-based): chr10:99,807,439, G>A. VCF-style: chr10-99807439-G-A. GRCh37 (hg19) VCF-style: chr10-101567196-G-A.
Other names: p.(Arg529Gln); c.1586G>A, p.Arg529Gln (LRG_1208t1); short protein forms R529Q.
Identifiers: ClinVar variation 597298 (VCV000597298.11), dbSNP rs781337846, ClinGen allele CA5643226.

ClinVar aggregate classification (germline): Conflicting classifications of pathogenicity. Review status: criteria provided, conflicting classifications (1 of 4 stars). 4 submissions from 4 submitters: Pathogenic (2); Uncertain significance (2). Last evaluated 2025-06-12.

Conditions:
Dubin-Johnson syndrome (DJS). Also called: Jaundice, Chronic Idiopathic; Hyperbilirubinemia type 2; HYPERBILIRUBINEMIA, DUBIN-JOHNSON TYPE. Identifiers: Orphanet 234, MedGen C0022350, MONDO:0009380, OMIM 237500.

Allele frequency attached by ClinVar (database versions not stated): ExAC 0.00003; gnomAD 0.00004; gnomAD exomes 0.00004; TOPMed 0.00006.
gnomAD v4.1: 72 of 1,613,874 alleles (0.0045%); highest among the groups gnomAD compares: Admixed American, 0.01%; no homozygotes.

Submissions (4):

Women's Health and Genetics/Laboratory Corporation of America, LabCorp
Classification: Pathogenic for Dubin-Johnson syndrome. Last evaluated: 2025-06-12. Review status: criteria provided, single submitter. Criteria: LabCorp Variant Classification Summary - May 2015. Collection method: clinical testing. Allele origin: germline.
Comment: Variant summary: ABCC2 c.1586G>A (p.Arg529Gln) results in a conservative amino acid change in the encoded protein sequence. Algorithms developed to predict the effect of missense changes on protein structure and function are either unavailable or do not agree on the potential impact of this missense change. The variant allele was found at a frequency of 4.4e-05 in 251050 control chromosomes. This frequency is not significantly higher than estimated for a pathogenic variant in ABCC2 causing Dubin-Johnson Syndrome, allowing no conclusion about variant significance. c.1586G>A has been observed in multiple individuals affected with Dubin-Johnson Syndrome (e.g. Wu_2020, Chan_2021, Junge_2021, You_2021, Fang_2021). These data indicate that the variant is very likely to be associated with disease. To our knowledge, no experimental evidence demonstrating an impact on protein function has been reported. The following publications have been ascertained in the context of this evaluation (PMID: 33470920, 33763395, 33534365, 32183854, 34150028). ClinVar contains an entry for this variant (Variation ID: 597298). Based on the evidence outlined above, the variant was classified as pathogenic.

Labcorp Genetics (formerly Invitae), Labcorp
Classification: Pathogenic. Last evaluated: 2024-02-22. Review status: criteria provided, single submitter. Criteria: Invitae Variant Classification Sherloc (09022015). Collection method: clinical testing. Allele origin: germline.
Comment: This sequence change replaces arginine, which is basic and polar, with glutamine, which is neutral and polar, at codon 529 of the ABCC2 protein (p.Arg529Gln). This variant is present in population databases (rs781337846, gnomAD 0.01%). This missense change has been observed in individual(s) with clinical features of Dubin-Johnson syndrome (PMID: 32183854, 33470920, 34150028). In at least one individual the data is consistent with being in trans (on the opposite chromosome) from a pathogenic variant. ClinVar contains an entry for this variant (Variation ID: 597298). Advanced modeling of protein sequence and biophysical properties (such as structural, functional, and spatial information, amino acid conservation, physicochemical variation, residue mobility, and thermodynamic stability) performed at Invitae indicates that this missense variant is expected to disrupt ABCC2 protein function with a positive predictive value of 80%. For these reasons, this variant has been classified as Pathogenic.

Genesis Genoma Lab
Classification: Uncertain significance for Dubin-Johnson syndrome. Last evaluated: 2023-01-10. Review status: criteria provided, single submitter. Criteria: ACMG Guidelines, 2015. Collection method: clinical testing. Allele origin: germline. Inheritance: Autosomal recessive inheritance. Affected: yes.
Comment: Confirnation of the exact configuration of the variants (cis or trans) has not been performed yet, therefore the variant is characterised as VOUS (PM3, PM2, PP3 Sup).

Eurofins Ntd Llc (ga)
Classification: Uncertain significance. Last evaluated: 2018-05-24. Review status: criteria provided, single submitter. Criteria: EGL ClinVar v180209 classification definitions. Collection method: clinical testing. Allele origin: germline. Observed: 1 variant allele, 1 heterozygote.

Literature cited by the submitters: PubMed 33763395 (cited by Women's Health and Genetics/Laboratory Corporation of America, LabCorp); PubMed 33534365 (cited by Women's Health and Genetics/Laboratory Corporation of America, LabCorp); PubMed 33470920 (cited by Women's Health and Genetics/Laboratory Corporation of America, LabCorp and Labcorp Genetics (formerly Invitae), Labcorp); PubMed 32183854 (cited by Women's Health and Genetics/Laboratory Corporation of America, LabCorp and Labcorp Genetics (formerly Invitae), Labcorp); PubMed 34150028 (cited by Women's Health and Genetics/Laboratory Corporation of America, LabCorp and Labcorp Genetics (formerly Invitae), Labcorp).